The following is an entry in ClinVar:

ClinVar aggregate classification (germline): Uncertain significance. Review status: criteria provided, single submitter (1 of 4 stars). 2 submissions from 2 submitters: Uncertain significance (1). 1 of the submissions does not count toward it. Last evaluated 2026-07-31.

Conditions:
Alport syndrome. Also called: Hemorrhagic familial nephritis; Hemorrhagic hereditary nephritis; Congenital hereditary hematuria. Identifiers: Orphanet 63, MedGen C1567741, MONDO:0018965.

gnomAD v4.1: 4 of 1,609,834 alleles (0.00025%); highest among the groups gnomAD compares: African/African-American, 0.004%; no homozygotes.

Submissions (2):

GeneDx
Classification: Uncertain significance. Last evaluated: 2026-07-31. Review status: criteria provided, single submitter. Criteria: GeneDx Variant Classification Process June 2021. Collection method: clinical testing. Allele origin: germline.
Comment: Not observed at significant frequency in large population cohorts (gnomAD); In silico analysis suggests that this missense variant does not alter protein structure/function; Has not been previously published as pathogenic or benign to our knowledge; Occurs in the triple helical domain at the Y position in the canonical Gly-X-Y repeat; although this variant may have an effect on normal protein folding and function, missense substitution at the Y position is not a common mechanism of disease

Natera, Inc.
Classification: Uncertain significance for Alport syndrome. Last evaluated: 2025-03-03. Review status: no assertion criteria provided. Collection method: clinical testing. Allele origin: germline. Not counted in ClinVar's aggregate classification.

NM_000091.5(COL4A3):c.2150A>G (p.Lys717Arg)

Genes: COL4A3 (collagen type IV alpha 3 chain; plus strand), MFF-DT (MFF divergent transcript; minus strand). Cytogenetic location: 2q36.3.
Variant type: single nucleotide variant.
Coding change: c.2150A>G on transcript NM_000091.5 (MANE Select); coding-DNA position 2150, A replaced by G.
Protein change: p.Lys717Arg; replaces lysine 717 with arginine.
Molecular consequence: missense variant.
Genome position (GRCh38, 1-based): chr2:227,279,817, A>G. VCF-style: chr2-227279817-A-G. GRCh37 (hg19) VCF-style: chr2-228144533-A-G.
Other names: short protein forms K717R.
Identifiers: ClinVar variation 4064964 (VCV004064964.3).
Genomic context (GRCh38, chr2:227,279,817, plus strand): 5'-AATCCTACAACAATGTTTATTGTTTTTTCTCTGTAGGAGACCAAGGTTTTCCAGGTACAA[A>G]AGGATCACTGGGTTGTCCTGGAAAAATGGGAGAGCCTGGGTTACCTGGAAAGCCAGGCCT-3'
Protein context (NP_000082.2, residues 707-727): PKGDQGFPGT[Lys717Arg]GSLGCPGKMG